The following is an entry in ClinVar:

ClinVar aggregate classification (germline): Uncertain significance (1 of 4 stars; one submission).

Submission:

GeneDx
Classification: Uncertain significance. Last evaluated: 2023-01-03. Review status: criteria provided, single submitter. Criteria: GeneDx Variant Classification Process June 2021. Collection method: clinical testing. Allele origin: germline. Affected: yes.
Comment: Not observed at significant frequency in large population cohorts (gnomAD); In silico analysis supports that this missense variant does not alter protein structure/function; Has not been previously published as pathogenic or benign to our knowledge

NM_016604.4(KDM3B):c.1861C>A (p.Leu621Ile)

Gene: KDM3B (lysine demethylase 3B; plus strand). Cytogenetic location: 5q31.2.
Variant type: single nucleotide variant.
Coding change: c.1861C>A on transcript NM_016604.4 (MANE Select); coding-DNA position 1861, C replaced by A.
Protein change: p.Leu621Ile; replaces leucine 621 with isoleucine.
Molecular consequence: missense variant.
Genome position (GRCh38, 1-based): chr5:138,391,493, C>A. VCF-style: chr5-138391493-C-A. GRCh37 (hg19) VCF-style: chr5-137727182-C-A.
Other names: short protein forms L621I.
Identifiers: ClinVar variation 1810174 (VCV001810174.1), dbSNP rs1211766842, ClinGen allele CA361107273.